The following is an entry in ClinVar:

ClinVar aggregate classification (germline): Uncertain significance (1 of 4 stars; one submission).

Conditions:
Zellweger spectrum disorders (ZS). Also called: Zellweger Spectrum Disorder; Zellweger Spectrum; Zellweger Spectrum Disorder (ZSD); Zellweger syndrome. Identifiers: Orphanet 912, MedGen C0043459, MONDO:0019609.

Allele frequency attached by ClinVar (database versions not stated): TOPMed below 0.00001.
gnomAD v4.1: 1 of 1,605,816 alleles (0.000062%); highest among the groups gnomAD compares: Non-Finnish European, 0.000085%; no homozygotes.

Submission:

Labcorp Genetics (formerly Invitae), Labcorp
Classification: Uncertain significance for Zellweger spectrum disorders. Last evaluated: 2022-08-21. Review status: criteria provided, single submitter. Criteria: Invitae Variant Classification Sherloc (09022015). Collection method: clinical testing. Allele origin: germline.
Comment: This variant has not been reported in the literature in individuals affected with PEX1-related conditions. In summary, the available evidence is currently insufficient to determine the role of this variant in disease. Therefore, it has been classified as a Variant of Uncertain Significance. Advanced modeling of protein sequence and biophysical properties (such as structural, functional, and spatial information, amino acid conservation, physicochemical variation, residue mobility, and thermodynamic stability) performed at Invitae indicates that this missense variant is not expected to disrupt PEX1 protein function. This variant is not present in population databases (gnomAD no frequency). This sequence change replaces cysteine, which is neutral and slightly polar, with tyrosine, which is neutral and polar, at codon 750 of the PEX1 protein (p.Cys750Tyr).

NM_000466.3(PEX1):c.2249G>A (p.Cys750Tyr)

Gene: PEX1 (peroxisomal biogenesis factor 1; minus strand). Cytogenetic location: 7q21.2.
Variant type: single nucleotide variant.
Coding change: c.2249G>A on transcript NM_000466.3 (MANE Select); coding-DNA position 2249, G replaced by A.
Protein change: p.Cys750Tyr; replaces cysteine 750 with tyrosine.
Molecular consequence: missense variant.
Genome position (GRCh38, 1-based): chr7:92,502,057, C>T on the plus strand (G>A on the coding strand, the complement: PEX1 is on the minus strand). VCF-style: chr7-92502057-C-T. GRCh37 (hg19) VCF-style: chr7-92131371-C-T.
Other names: c.2078G>A, p.Cys693Tyr (NM_001282677.2); c.1625G>A, p.Cys542Tyr (NM_001282678.2); short protein forms C542Y, C693Y, C750Y.
Identifiers: ClinVar variation 1717375 (VCV001717375.4), dbSNP rs773562757, ClinGen allele CA368178644.